The following is an entry in ClinVar:

NM_015295.3(SMCHD1):c.266A>T (p.Glu89Val)

Gene: SMCHD1 (structural maintenance of chromosomes flexible hinge domain containing 1; plus strand). Cytogenetic location: 18p11.32.
Variant type: single nucleotide variant.
Coding change: c.266A>T on transcript NM_015295.3 (MANE Select); coding-DNA position 266, A replaced by T.
Protein change: p.Glu89Val; replaces glutamic acid 89 with valine.
Molecular consequence: missense variant.
Genome position (GRCh38, 1-based): chr18:2,666,873, A>T. VCF-style: chr18-2666873-A-T. GRCh37 (hg19) VCF-style: chr18-2666872-A-T.
Other names: short protein forms E89V.
Identifiers: ClinVar variation 1366584 (VCV001366584.8), dbSNP rs886816476, ClinGen allele CA295460123.

ClinVar aggregate classification (germline): Uncertain significance (1 of 4 stars; one submission).

Conditions:
Facioscapulohumeral muscular dystrophy 2 (FSHD2). Also called: MUSCULAR DYSTROPHY, FACIOSCAPULOHUMERAL, TYPE 1B; FACIOSCAPULOHUMERAL MUSCULAR DYSTROPHY 2, DIGENIC; FSHD2, DIGENIC. Identifiers: Orphanet 269, MedGen C1834671, MONDO:0008031, OMIM 158901.

Allele frequency attached by ClinVar (database versions not stated): gnomAD exomes below 0.00001.
gnomAD v4.1: 1 of 1,609,520 alleles (0.000062%); highest among the groups gnomAD compares: Admixed American, 0.0017%; no homozygotes.

Submission:

Labcorp Genetics (formerly Invitae), Labcorp
Classification: Uncertain significance for Facioscapulohumeral muscular dystrophy 2. Last evaluated: 2025-11-26. Review status: criteria provided, single submitter. Criteria: Invitae Variant Classification Sherloc (09022015). Collection method: clinical testing. Allele origin: germline.
Comment: This sequence change replaces glutamic acid, which is acidic and polar, with valine, which is neutral and non-polar, at codon 89 of the SMCHD1 protein (p.Glu89Val). This variant is not present in population databases (gnomAD no frequency). This variant has not been reported in the literature in individuals affected with SMCHD1-related conditions. ClinVar contains an entry for this variant (Variation ID: 1366584). Invitae Evidence Modeling of protein sequence and biophysical properties (such as structural, functional, and spatial information, amino acid conservation, physicochemical variation, residue mobility, and thermodynamic stability) indicates that this missense variant is not expected to disrupt SMCHD1 protein function with a negative predictive value of 80%. In summary, the available evidence is currently insufficient to determine the role of this variant in disease. Therefore, it has been classified as a Variant of Uncertain Significance.